The following is an entry in ClinVar:

ClinVar aggregate classification (germline): Uncertain significance (1 of 4 stars; one submission).

Conditions:
Inclusion body myopathy with early-onset Paget disease with or without frontotemporal dementia 2 (IBMPFD2). Also called: MULTISYSTEM PROTEINOPATHY 2. Identifiers: MedGen C3809468, MONDO:0014178, OMIM 615422.

Submission:

Labcorp Genetics (formerly Invitae), Labcorp
Classification: Uncertain significance for Inclusion body myopathy with early-onset Paget disease with or without frontotemporal dementia 2. Last evaluated: 2022-02-05. Review status: criteria provided, single submitter. Criteria: Invitae Variant Classification Sherloc (09022015). Collection method: clinical testing. Allele origin: germline.
Comment: In summary, the available evidence is currently insufficient to determine the role of this variant in disease. Therefore, it has been classified as a Variant of Uncertain Significance. Algorithms developed to predict the effect of missense changes on protein structure and function are either unavailable or do not agree on the potential impact of this missense change (SIFT: "Tolerated"; PolyPhen-2: "Probably Damaging"; Align-GVGD: "Class C0"). This variant has not been reported in the literature in individuals affected with HNRNPA2B1-related conditions. This variant is not present in population databases (gnomAD no frequency). This sequence change replaces proline, which is neutral and non-polar, with histidine, which is basic and polar, at codon 9 of the HNRNPA2B1 protein (p.Pro9His).

NM_002137.4(HNRNPA2B1):c.7-115C>A

Gene: HNRNPA2B1 (heterogeneous nuclear ribonucleoprotein A2/B1; minus strand). Cytogenetic location: 7p15.2.
Variant type: single nucleotide variant.
Coding change: c.7-115C>A on transcript NM_002137.4 (MANE Select); 115 bases into the intron before coding-DNA position 7, C replaced by A.
Molecular consequence: intron variant. On other transcripts: missense variant (1).
Genome position (GRCh38, 1-based): chr7:26,197,847, G>T on the plus strand (C>A on the coding strand, the complement: HNRNPA2B1 is on the minus strand). VCF-style: chr7-26197847-G-T. GRCh37 (hg19) VCF-style: chr7-26237467-G-T.
Other names: c.26C>A, p.Pro9His (NM_031243.4); short protein forms P9H.
Identifiers: ClinVar variation 1419235 (VCV001419235.8), dbSNP rs2128124594, ClinGen allele CA367083679.